The following is an entry in ClinVar:

NM_001252024.2(TRPM1):c.482del (p.Gly161fs)

Gene: TRPM1 (transient receptor potential cation channel subfamily M member 1; minus strand). Cytogenetic location: 15q13.3.
Variant type: Deletion.
Coding change: c.482del on transcript NM_001252024.2 (MANE Select); coding-DNA position 482, one base deleted (G; older notation c.482delG).
Protein change: p.Gly161fs; shifts the reading frame from glycine 161.
Molecular consequence: frameshift variant.
Genome position (GRCh38, 1-based): chr15:31,067,890, C deleted on the plus strand (G on the coding strand, the reverse complement: TRPM1 is on the minus strand); the first of 5 consecutive C bases (chr15:31,067,890-31,067,894); deleting any one gives the same sequence. VCF-style (leftmost placement, unchanged base first): chr15-31067889-AC-A. GRCh37 (hg19) VCF-style: chr15-31360092-AC-A.
Other names: 1-BP DEL, 412G; c.533del, p.Gly178fs (NM_001252020.2); c.416del, p.Gly139fs (NM_002420.6); short protein forms G178fs, G161fs, G139fs.
Identifiers: ClinVar variation 1459633 (VCV001459633.8), dbSNP rs1226505973, ClinGen allele CA711976443.
Genomic context (GRCh38, chr15:31,067,889, plus strand): 5'-GAGTTCTGGGTGGTACATTGATTATCGGGAGGGAAAGGGCCTGCTCTTACCTGTGCTGAC[AC>A]CCCCGGTGAAGATCCAGGCCCCGGTGGTCATAGCAGCCTTGATCAGGCCTTTCCCAAAGA-3'

ClinVar aggregate classification (germline): Pathogenic/Likely pathogenic. Review status: criteria provided, multiple submitters, no conflicts (2 of 4 stars). 3 submissions from 3 submitters: Pathogenic (1); Likely pathogenic (1). 1 of the submissions does not count toward it. Last evaluated 2021-11-19.

Conditions:
TRPM1-related disorder. Also called: TRPM1-related condition.
Congenital stationary night blindness 1C. Also called: Night blindness, congenital stationary (complete), 1C, autosomal recessive. Identifiers: Orphanet 215, MedGen C2750747, MONDO:0013183, OMIM 613216.

Submissions (3):

Labcorp Genetics (formerly Invitae), Labcorp
Classification: Pathogenic. Last evaluated: 2021-11-19. Review status: criteria provided, single submitter. Criteria: Invitae Variant Classification Sherloc (09022015). Collection method: clinical testing. Allele origin: germline.
Comment: For these reasons, this variant has been classified as Pathogenic. This premature translational stop signal has been observed in individual(s) with congenital stationary night blindness (PMID: 19878917). In at least one individual the data is consistent with being in trans (on the opposite chromosome) from a pathogenic variant. This variant is not present in population databases (gnomAD no frequency). This sequence change creates a premature translational stop signal (p.Gly139Valfs*10) in the TRPM1 gene. It is expected to result in an absent or disrupted protein product. Loss-of-function variants in TRPM1 are known to be pathogenic (PMID: 19896113, 19966281, 20300565).

Blueprint Genetics
Classification: Likely pathogenic for TRPM1-related disorders. Last evaluated: 2021-11-05. Review status: criteria provided, single submitter. Criteria: ACMG Guidelines, 2015. Collection method: clinical testing. Allele origin: germline. Affected: yes. Observed: 1 variant allele.

OMIM
Classification: Pathogenic for NIGHT BLINDNESS, CONGENITAL STATIONARY, TYPE 1C. Last evaluated: 2009-11-01. Review status: no assertion criteria provided. Collection method: literature only. Allele origin: germline. Not counted in ClinVar's aggregate classification.

Literature cited by the submitters: PubMed 19878917 (cited by Labcorp Genetics (formerly Invitae), Labcorp and OMIM); PubMed 19896113 (cited by Labcorp Genetics (formerly Invitae), Labcorp); PubMed 19966281 (cited by Labcorp Genetics (formerly Invitae), Labcorp); PubMed 20300565 (cited by Labcorp Genetics (formerly Invitae), Labcorp).